The following is an entry in ClinVar:

ClinVar aggregate classification (germline): Likely benign. Review status: criteria provided, single submitter (1 of 4 stars). 2 submissions from 2 submitters: Likely benign (1). 1 of the submissions does not count toward it. Last evaluated 2024-09-04.

Conditions:
SERPING1-related disorder. Also called: SERPING1-related condition.

gnomAD v4.1: 6 of 1,614,190 alleles (0.00037%); highest among the groups gnomAD compares: East Asian, 0.0045%; no homozygotes.

Submissions (2):

Labcorp Genetics (formerly Invitae), Labcorp
Classification: Likely benign. Last evaluated: 2024-09-04. Review status: criteria provided, single submitter. Criteria: Invitae Variant Classification Sherloc (09022015). Collection method: clinical testing. Allele origin: germline.

PreventionGenetics, part of Exact Sciences
Classification: Likely benign for SERPING1-related condition. Last evaluated: 2019-03-26. Review status: no assertion criteria provided. Collection method: clinical testing. Allele origin: germline. Not counted in ClinVar's aggregate classification.
Comment: This variant is classified as likely benign based on ACMG/AMP sequence variant interpretation guidelines (Richards et al. 2015 PMID: 25741868, with internal and published modifications).

NM_000062.3(SERPING1):c.135C>G (p.Val45=)

Gene: SERPING1 (serpin family G member 1; plus strand). Cytogenetic location: 11q12.1.
Variant type: single nucleotide variant.
Coding change: c.135C>G on transcript NM_000062.3 (MANE Select); coding-DNA position 135, C replaced by G.
Protein change: p.Val45=; no amino-acid change (valine 45 retained).
Molecular consequence: synonymous variant.
Genome position (GRCh38, 1-based): chr11:57,599,962, C>G. VCF-style: chr11-57599962-C-G. GRCh37 (hg19) VCF-style: chr11-57367435-C-G.
Other names: c.135C>G, p.Val45= (NM_001032295.2).
Identifiers: ClinVar variation 750374 (VCV000750374.9), dbSNP rs886048399, ClinGen allele CA223053982.